The following is an entry in ClinVar:

ClinVar aggregate classification (germline): Likely pathogenic (1 of 4 stars; one submission).

Conditions:
RASopathy. Also called: Noonan spectrum disorder; rasopathies. Identifiers: Orphanet 536391, MedGen C5555857, MONDO:0021060.

Submission:

Labcorp Genetics (formerly Invitae), Labcorp
Classification: Likely pathogenic for RASopathy. Last evaluated: 2024-11-24. Review status: criteria provided, single submitter. Criteria: Invitae Variant Classification Sherloc (09022015). Collection method: clinical testing. Allele origin: germline.
Comment: This sequence change replaces tryptophan, which is neutral and slightly polar, with cysteine, which is neutral and slightly polar, at codon 432 of the SOS1 protein (p.Trp432Cys). This variant is not present in population databases (gnomAD no frequency). This variant has not been reported in the literature in individuals affected with SOS1-related conditions. Invitae Evidence Modeling of protein sequence and biophysical properties (such as structural, functional, and spatial information, amino acid conservation, physicochemical variation, residue mobility, and thermodynamic stability) indicates that this missense variant is expected to disrupt SOS1 protein function with a positive predictive value of 95%. This variant disrupts the p.Trp432 amino acid residue in SOS1. Other variant(s) that disrupt this residue have been determined to be pathogenic (PMID: 17143282, 17586837, 19438935, 21387466, 22465605). This suggests that this residue is clinically significant, and that variants that disrupt this residue are likely to be disease-causing. In summary, the currently available evidence indicates that the variant is pathogenic, but additional data are needed to prove that conclusively. Therefore, this variant has been classified as Likely Pathogenic.

Literature cited by the submitters: PubMed 17143282; PubMed 17586837; PubMed 19438935; PubMed 21387466; PubMed 22465605.

NM_005633.4(SOS1):c.1296G>T (p.Trp432Cys)

Gene: SOS1 (SOS Ras/Rac guanine nucleotide exchange factor 1; minus strand). Cytogenetic location: 2p22.1.
Variant type: single nucleotide variant.
Coding change: c.1296G>T on transcript NM_005633.4 (MANE Select); coding-DNA position 1296, G replaced by T.
Protein change: p.Trp432Cys; replaces tryptophan 432 with cysteine.
Molecular consequence: missense variant.
Genome position (GRCh38, 1-based): chr2:39,023,132, C>A on the plus strand (G>T on the coding strand, the complement: SOS1 is on the minus strand). VCF-style: chr2-39023132-C-A. GRCh37 (hg19) VCF-style: chr2-39250273-C-A.
Other names: c.1275G>T, p.Trp425Cys (NM_001382394.1); c.1296G>T, p.Trp432Cys (NM_001382395.1); short protein forms W425C, W432C.
Identifiers: ClinVar variation 3667536 (VCV003667536.2).